The following is an entry in ClinVar:

NM_032737.4(LMNB2):c.1481A>C (p.Lys494Thr)

Gene: LMNB2 (lamin B2; minus strand). Cytogenetic location: 19p13.3.
Variant type: single nucleotide variant.
Coding change: c.1481A>C on transcript NM_032737.4 (MANE Select); coding-DNA position 1481, A replaced by C.
Protein change: p.Lys494Thr; replaces lysine 494 with threonine.
Molecular consequence: missense variant.
Genome position (GRCh38, 1-based): chr19:2,433,827, T>G on the plus strand (A>C on the coding strand, the complement: LMNB2 is on the minus strand). VCF-style: chr19-2433827-T-G. GRCh37 (hg19) VCF-style: chr19-2433825-T-G.
Other names: short protein forms K494T.
Identifiers: ClinVar variation 1403702 (VCV001403702.6), dbSNP rs563268222, ClinGen allele CA9067486.

ClinVar aggregate classification (germline): Uncertain significance (1 of 4 stars; one submission).

Conditions:
Lipodystrophy, partial, acquired, susceptibility to (APLD). Also called: APLD, SUSCEPTIBILITY TO. Identifiers: MedGen C3887501, MONDO:0100476, OMIM 608709.
Progressive myoclonic epilepsy type 9. Identifiers: Orphanet 457265, MedGen C4225289, MONDO:0014685, OMIM 616540.

Allele frequency attached by ClinVar (database versions not stated): gnomAD exomes below 0.00001; ExAC 0.00001; gnomAD 0.00001; TOPMed 0.00002; 1000 Genomes Project 30x 0.00016; 1000 Genomes Project 0.00020.

Submission:

Labcorp Genetics (formerly Invitae), Labcorp
Classification: Uncertain significance for Progressive myoclonic epilepsy type 9; Lipodystrophy, partial, acquired, susceptibility to. Last evaluated: 2021-11-09. Review status: criteria provided, single submitter. Criteria: Invitae Variant Classification Sherloc (09022015). Collection method: clinical testing. Allele origin: germline.
Comment: In summary, the available evidence is currently insufficient to determine the role of this variant in disease. Therefore, it has been classified as a Variant of Uncertain Significance. Algorithms developed to predict the effect of sequence changes on RNA splicing suggest that this variant may disrupt the consensus splice site. Algorithms developed to predict the effect of missense changes on protein structure and function (SIFT, PolyPhen-2, Align-GVGD) all suggest that this variant is likely to be disruptive. This variant has not been reported in the literature in individuals affected with LMNB2-related conditions. This variant is present in population databases (rs563268222, gnomAD 0.007%). This sequence change replaces lysine, which is basic and polar, with threonine, which is neutral and polar, at codon 494 of the LMNB2 protein (p.Lys494Thr).